The following is an entry in ClinVar:

NM_001105206.3(LAMA4):c.1552-5C>T

Gene: LAMA4 (laminin subunit alpha 4; minus strand). Cytogenetic location: 6q21.
Variant type: single nucleotide variant.
Coding change: c.1552-5C>T on transcript NM_001105206.3 (MANE Select); 5 bases into the intron before coding-DNA position 1552, C replaced by T.
Molecular consequence: intron variant.
Genome position (GRCh38, 1-based): chr6:112,165,281, G>A on the plus strand (C>T on the coding strand, the complement: LAMA4 is on the minus strand). VCF-style: chr6-112165281-G-A. GRCh37 (hg19) VCF-style: chr6-112486483-G-A.
Other names: c.1531-5C>T (NM_002290.5, NM_001105207.3).
Identifiers: ClinVar variation 2625026 (VCV002625026.4), dbSNP rs781863734, ClinGen allele CA3965737.

ClinVar aggregate classification (germline): Conflicting classifications of pathogenicity. Review status: criteria provided, conflicting classifications (1 of 4 stars). 2 submissions from 2 submitters: Uncertain significance (1); Likely benign (1). Last evaluated 2025-05-14.

Conditions:
Cardiovascular phenotype. Identifiers: MedGen CN230736.
Dilated cardiomyopathy 1JJ (CMD1JJ). Identifiers: Orphanet 154, MedGen C3808935, MONDO:0014095, OMIM 615235.

Allele frequency attached by ClinVar (database versions not stated): gnomAD 0.00001; ExAC 0.00001; TOPMed 0.00002.
gnomAD v4.1: 26 of 1,579,332 alleles (0.0016%); highest among the groups gnomAD compares: Admixed American, 0.005%; no homozygotes.

Submissions (2):

Labcorp Genetics (formerly Invitae), Labcorp
Classification: Likely benign for Dilated cardiomyopathy 1JJ. Last evaluated: 2025-05-14. Review status: criteria provided, single submitter. Criteria: Invitae Variant Classification Sherloc (09022015). Collection method: clinical testing. Allele origin: germline.

Ambry Genetics
Classification: Uncertain significance for Cardiovascular phenotype. Last evaluated: 2023-08-16. Review status: criteria provided, single submitter. Criteria: Ambry Variant Classification Scheme 2023. Collection method: clinical testing. Allele origin: germline.
Comment: The c.1531-5C>T intronic variant results from a C to T substitution 5 nucleotides upstream from coding exon 12 in the LAMA4 gene. This nucleotide position is poorly conserved in available vertebrate species. In silico splice site analysis predicts that this alteration will not have any significant effect on splicing. The evidence for this gene-disease relationship is limited; therefore, the clinical significance of this alteration is unclear.